The following is an entry in ClinVar:

ClinVar aggregate classification (germline): Uncertain significance (1 of 4 stars; one submission).

Allele frequency attached by ClinVar (database versions not stated): gnomAD exomes below 0.00001.
gnomAD v4.1: 2 of 1,614,194 alleles (0.00012%); highest among the groups gnomAD compares: Non-Finnish European, 0.00017%; no homozygotes.

Submission:

Labcorp Genetics (formerly Invitae), Labcorp
Classification: Uncertain significance. Last evaluated: 2022-07-13. Review status: criteria provided, single submitter. Criteria: Invitae Variant Classification Sherloc (09022015). Collection method: clinical testing. Allele origin: germline.
Comment: In summary, the available evidence is currently insufficient to determine the role of this variant in disease. Therefore, it has been classified as a Variant of Uncertain Significance. Algorithms developed to predict the effect of missense changes on protein structure and function (SIFT, PolyPhen-2, Align-GVGD) all suggest that this variant is likely to be disruptive. This sequence change replaces glutamine, which is neutral and polar, with arginine, which is basic and polar, at codon 25 of the OPN1SW protein (p.Gln25Arg). This variant is not present in population databases (gnomAD no frequency). This variant has not been reported in the literature in individuals affected with OPN1SW-related conditions.

NM_001385125.1(OPN1SW):c.65A>G (p.Gln22Arg)

Gene: OPN1SW (opsin 1, short wave sensitive; minus strand). Cytogenetic location: 7q32.1.
Variant type: single nucleotide variant.
Coding change: c.65A>G on transcript NM_001385125.1 (MANE Select); coding-DNA position 65, A replaced by G.
Protein change: p.Gln22Arg; replaces glutamine 22 with arginine.
Molecular consequence: missense variant.
Genome position (GRCh38, 1-based): chr7:128,775,717, T>C on the plus strand (A>G on the coding strand, the complement: OPN1SW is on the minus strand). VCF-style: chr7-128775717-T-C. GRCh37 (hg19) VCF-style: chr7-128415771-T-C.
Other names: short protein forms Q22R.
Identifiers: ClinVar variation 2016508 (VCV002016508.4), dbSNP rs962307387, ClinGen allele CA166213416.